The following is an entry in ClinVar:

NM_002354.3(EPCAM):c.175T>A (p.Cys59Ser)

Gene: EPCAM (epithelial cell adhesion molecule; plus strand). Cytogenetic location: 2p21.
Variant type: single nucleotide variant.
Coding change: c.175T>A on transcript NM_002354.3 (MANE Select); coding-DNA position 175, T replaced by A.
Protein change: p.Cys59Ser; replaces cysteine 59 with serine.
Molecular consequence: missense variant.
Genome position (GRCh38, 1-based): chr2:47,373,561, T>A. VCF-style: chr2-47373561-T-A. GRCh37 (hg19) VCF-style: chr2-47600700-T-A.
Other names: short protein forms C59S.
Identifiers: ClinVar variation 3044716 (VCV003044716.2), dbSNP rs1671340063, ClinGen allele CA346722675.
Genomic context (GRCh38, chr2:47,373,561, plus strand): 5'-TTTGTGAATAATAATCGTCAATGCCAGTGTACTTCAGTTGGTGCACAAAATACTGTCATT[T>A]GCTCAAAGCGTGAGTAAAATATCCTAATTACCTGTAAGCTTTATTTTGACTTAATACTTC-3'
Protein context (NP_002345.2, residues 49-69): TSVGAQNTVI[Cys59Ser]SKLAAKCLVM

ClinVar aggregate classification (germline): Uncertain significance (0 of 4 stars; one submission).

Conditions:
EPCAM-related disorder. Also called: EPCAM-related condition.

Submission:

PreventionGenetics, part of Exact Sciences
Classification: Uncertain significance for EPCAM-related condition. Last evaluated: 2023-11-07. Review status: no assertion criteria provided. Collection method: clinical testing. Allele origin: germline.
Comment: The EPCAM c.175T>A variant is predicted to result in the amino acid substitution p.Cys59Ser. To our knowledge, this variant has not been reported in the literature or in a large population database, indicating this variant is rare. At this time, the clinical significance of this variant is uncertain due to the absence of conclusive functional and genetic evidence.